The following is an entry in ClinVar:

ClinVar aggregate classification (germline): Uncertain significance (1 of 4 stars; one submission).

Conditions:
Gastrointestinal stromal tumor. Also called: Gastrointestinal stroma tumor; Gastrointestinal stromal tumor, somatic. Identifiers: Orphanet 44890, MedGen C0238198, MeSH D046152, MONDO:0011719, OMIM 606764, HP:0100723.

gnomAD v4.1: 1 of 1,613,732 alleles (0.000062%); highest among the groups gnomAD compares: Non-Finnish European, 0.000085%; no homozygotes.

Submission:

Labcorp Genetics (formerly Invitae), Labcorp
Classification: Uncertain significance for Gastrointestinal stromal tumor. Last evaluated: 2024-04-15. Review status: criteria provided, single submitter. Criteria: Invitae Variant Classification Sherloc (09022015). Collection method: clinical testing. Allele origin: germline.
Comment: This sequence change replaces glycine, which is neutral and non-polar, with valine, which is neutral and non-polar, at codon 12 of the PDGFRA protein (p.Gly12Val). This variant is present in population databases (no rsID available, gnomAD 0.007%). This variant has not been reported in the literature in individuals affected with PDGFRA-related conditions. ClinVar contains an entry for this variant (Variation ID: 1717948). An algorithm developed to predict the effect of missense changes on protein structure and function (PolyPhen-2) suggests that this variant is likely to be tolerated. In summary, the available evidence is currently insufficient to determine the role of this variant in disease. Therefore, it has been classified as a Variant of Uncertain Significance.

NM_006206.6(PDGFRA):c.35G>T (p.Gly12Val)

Gene: PDGFRA (platelet derived growth factor receptor alpha; plus strand). Cytogenetic location: 4q12.
Variant type: single nucleotide variant.
Coding change: c.35G>T on transcript NM_006206.6 (MANE Select); coding-DNA position 35, G replaced by T.
Protein change: p.Gly12Val; replaces glycine 12 with valine.
Molecular consequence: missense variant.
Genome position (GRCh38, 1-based): chr4:54,258,803, G>T. VCF-style: chr4-54258803-G-T. GRCh37 (hg19) VCF-style: chr4-55124970-G-T.
Other names: c.35G>T, p.Gly12Val (NM_001347827.2, NM_001347829.2); c.110G>T, p.Gly37Val (NM_001347828.2); c.74G>T, p.Gly25Val (NM_001347830.2); short protein forms G12V, G25V, G37V.
Identifiers: ClinVar variation 1717948 (VCV001717948.6), dbSNP rs1440200916, ClinGen allele CA356888102.